The following is an entry in ClinVar:

NM_002861.5(PCYT2):c.1076G>A (p.Arg359Gln)

Gene: PCYT2 (phosphate cytidylyltransferase 2, ethanolamine; minus strand). Cytogenetic location: 17q25.3.
Variant type: single nucleotide variant.
Coding change: c.1076G>A on transcript NM_002861.5 (MANE Select); coding-DNA position 1076, G replaced by A.
Protein change: p.Arg359Gln; replaces arginine 359 with glutamine.
Molecular consequence: missense variant.
Genome position (GRCh38, 1-based): chr17:81,904,927, C>T on the plus strand (G>A on the coding strand, the complement: PCYT2 is on the minus strand). VCF-style: chr17-81904927-C-T. GRCh37 (hg19) VCF-style: chr17-79862803-C-T.
Other names: c.1130G>A, p.Arg377Gln (NM_001184917.3); c.914G>A, p.Arg305Gln (NM_001256433.3); c.953G>A, p.Arg318Gln (NM_001256434.3); c.842G>A, p.Arg281Gln (NM_001256435.3, NM_001282203.2); c.980G>A, p.Arg327Gln (NM_001282204.2); c.1010G>A, p.Arg337Gln (NM_001330518.2); short protein forms R281Q, R305Q, R318Q, R327Q, R337Q, R359Q, R377Q.
Identifiers: ClinVar variation 3769849 (VCV003769849.1).

ClinVar aggregate classification (germline): Uncertain significance (1 of 4 stars; one submission).

gnomAD v4.1: 15 of 1,612,756 alleles (0.00093%); highest among the groups gnomAD compares: Admixed American, 0.0017%; no homozygotes.

Submission:

GeneDx
Classification: Uncertain significance. Last evaluated: 2024-09-16. Review status: criteria provided, single submitter. Criteria: GeneDx Variant Classification Process June 2021. Collection method: clinical testing. Allele origin: germline. Affected: yes.
Comment: Not observed at significant frequency in large population cohorts (gnomAD); In silico analysis supports that this missense variant has a deleterious effect on protein structure/function; This variant is associated with the following publications: (PMID: 34384721)